The following is an entry in ClinVar:

ClinVar aggregate classification (germline): Uncertain significance (1 of 4 stars; one submission).

Conditions:
Retinitis pigmentosa 20 (RP20). Identifiers: Orphanet 791, MedGen C3151086, MONDO:0013425, OMIM 613794.
Leber congenital amaurosis 2 (LCA2). Also called: AMAUROSIS CONGENITA OF LEBER II; Autosomal Recessive RPE65-Related Retinal Degeneration. Identifiers: Orphanet 65, MedGen C1859844, MONDO:0008765, OMIM 204100. Disease mechanism: loss of function.

Submission:

Labcorp Genetics (formerly Invitae), Labcorp
Classification: Uncertain significance for Leber congenital amaurosis 2; Retinitis pigmentosa 20. Last evaluated: 2024-04-09. Review status: criteria provided, single submitter. Criteria: Invitae Variant Classification Sherloc (09022015). Collection method: clinical testing. Allele origin: germline.
Comment: This sequence change replaces leucine, which is neutral and non-polar, with serine, which is neutral and polar, at codon 383 of the RPE65 protein (p.Leu383Ser). This variant is not present in population databases (gnomAD no frequency). This variant has not been reported in the literature in individuals affected with RPE65-related conditions. Advanced modeling of protein sequence and biophysical properties (such as structural, functional, and spatial information, amino acid conservation, physicochemical variation, residue mobility, and thermodynamic stability) performed at Invitae indicates that this missense variant is expected to disrupt RPE65 protein function with a positive predictive value of 95%. In summary, the available evidence is currently insufficient to determine the role of this variant in disease. Therefore, it has been classified as a Variant of Uncertain Significance.

NM_000329.3(RPE65):c.1148T>C (p.Leu383Ser)

Gene: RPE65 (retinoid isomerohydrolase RPE65; minus strand). Cytogenetic location: 1p31.3.
Variant type: single nucleotide variant.
Coding change: c.1148T>C on transcript NM_000329.3 (MANE Select); coding-DNA position 1148, T replaced by C.
Protein change: p.Leu383Ser; replaces leucine 383 with serine.
Molecular consequence: missense variant.
Genome position (GRCh38, 1-based): chr1:68,431,566, A>G on the plus strand (T>C on the coding strand, the complement: RPE65 is on the minus strand). VCF-style: chr1-68431566-A-G. GRCh37 (hg19) VCF-style: chr1-68897249-A-G.
Other names: c.1040T>C, p.Leu347Ser (NM_001406853.1); c.872T>C, p.Leu291Ser (NM_001406856.1, NM_001406857.1); short protein forms L291S, L347S, L383S.
Identifiers: ClinVar variation 3755778 (VCV003755778.2).